The following is an entry in ClinVar:

NM_002109.6(HARS1):c.672_673del (p.Cys224fs)

Gene: HARS1 (histidyl-tRNA synthetase 1; minus strand). Cytogenetic location: 5q31.3.
Variant type: Microsatellite.
Coding change: c.672_673del on transcript NM_002109.6 (MANE Select); coding-DNA positions 672 to 673, 2 bases deleted (TG; older notation c.672_673delTG).
Protein change: p.Cys224fs; shifts the reading frame from cysteine 224.
Molecular consequence: frameshift variant.
Genome position (GRCh38, 1-based): chr5:140,677,711-140,677,712, CA deleted on the plus strand (TG on the coding strand, the reverse complement: HARS1 is on the minus strand); deleting any 2 consecutive bases within chr5:140,677,711-140,677,714 gives the same sequence; the c. name uses the placement nearest the transcript's 3' end. VCF-style (leftmost placement, unchanged base first): chr5-140677710-CCA-C. GRCh37 (hg19) VCF-style: chr5-140057295-CCA-C.
Other names: c.552_553del, p.Cys184fs (NM_001258040.3); c.612_613del, p.Cys204fs (NM_001258041.3); c.492_493del, p.Cys164fs (NM_001258042.3); c.450_451del, p.Cys150fs (NM_001289092.2); c.330_331del, p.Cys110fs (NM_001289093.2); c.585_586del, p.Cys195fs (NM_001289094.2); short protein forms C184fs, C195fs, C224fs, C110fs, C150fs, C164fs, C204fs.
Identifiers: ClinVar variation 936573 (VCV000936573.7), dbSNP rs1758469143, ClinGen allele CA1586866018.

ClinVar aggregate classification (germline): Uncertain significance (1 of 4 stars; one submission).

Conditions:
Usher syndrome type 3B. Also called: USHER SYNDROME, TYPE IIIB. Identifiers: MedGen C3281066, MONDO:0013788, OMIM 614504.

Submission:

Labcorp Genetics (formerly Invitae), Labcorp
Classification: Uncertain significance for Usher syndrome type 3B. Last evaluated: 2020-06-07. Review status: criteria provided, single submitter. Criteria: Invitae Variant Classification Sherloc (09022015). Collection method: clinical testing. Allele origin: germline.
Comment: This sequence change creates a premature translational stop signal (p.Cys224Trpfs*4) in the HARS gene. It is expected to result in an absent or disrupted protein product. This variant is not present in population databases (ExAC no frequency). This variant has not been reported in the literature in individuals with HARS-related conditions. The current clinical and genetic evidence is not sufficient to establish whether loss-of-function variants in HARS cause disease. In summary, the available evidence is currently insufficient to determine the role of this variant in disease. Therefore, it has been classified as a Variant of Uncertain Significance.